The following is an entry in ClinVar:

ClinVar aggregate classification (germline): Benign. Review status: criteria provided, multiple submitters, no conflicts (2 of 4 stars). 6 submissions from 6 submitters: Benign (5). 1 of the submissions does not count toward it. Last evaluated 2026-02-03.

Conditions:
Treacher Collins syndrome 1 (TCS1). Also called: TCOF1-Related Treacher Collins Syndrome. Identifiers: Orphanet 861, MedGen CN315775, MONDO:0007944, OMIM 154500.

Allele frequency attached by ClinVar (database versions not stated): gnomAD exomes 0.14338 and 0.15465; ExAC 0.14658; 1000 Genomes Project 30x 0.16146; 1000 Genomes Project 0.16274; gnomAD 0.17864 and 0.18279; TOPMed 0.17938; ESP Exome Variant Server 0.19122.
gnomAD v4.1: 253,088 of 1,614,070 alleles (16%); highest among the groups gnomAD compares: African/African-American, 27%; 21,005 homozygotes.

Submissions (6):

Labcorp Genetics (formerly Invitae), Labcorp
Classification: Benign for Treacher Collins syndrome 1. Last evaluated: 2026-02-03. Review status: criteria provided, single submitter. Criteria: Invitae Variant Classification Sherloc (09022015). Collection method: clinical testing. Allele origin: germline.

Blueprint Genetics
Classification: Benign. Last evaluated: 2024-11-26. Review status: criteria provided, single submitter. Criteria: ACMG Guidelines, 2015. Collection method: clinical testing. Allele origin: germline.

Mayo Clinic Laboratories, Mayo Clinic
Classification: Benign. Last evaluated: 2020-12-04. Review status: criteria provided, single submitter. Criteria: ACMG Guidelines, 2015. Collection method: clinical testing. Allele origin: germline. Observed: 38 variant alleles.

GeneDx
Classification: Benign. Last evaluated: 2015-03-03. Review status: criteria provided, single submitter. Criteria: GeneDx Variant Classification Process June 2021. Collection method: clinical testing. Allele origin: germline. Affected: yes.

PreventionGenetics, part of Exact Sciences
Classification: Benign. Review status: criteria provided, single submitter. Criteria: ACMG Guidelines, 2015. Collection method: clinical testing. Allele origin: germline.

Genetic Services Laboratory, University of Chicago
Classification: Likely benign for AllHighlyPenetrant. Review status: no assertion criteria provided. Collection method: clinical testing. Allele origin: germline. Inheritance: Autosomal dominant inheritance. Not counted in ClinVar's aggregate classification.
Comment: Likely benign based on allele frequency in 1000 Genomes Project or ESP global frequency and its presence in a patient with a rare or unrelated disease phenotype. NOT Sanger confirmed.

NM_001371623.1(TCOF1):c.2660T>C (p.Val887Ala)

Gene: TCOF1 (treacle ribosome biogenesis factor 1; plus strand). Cytogenetic location: 5q32.
Variant type: single nucleotide variant.
Coding change: c.2660T>C on transcript NM_001371623.1 (MANE Select); coding-DNA position 2660, T replaced by C.
Protein change: p.Val887Ala; replaces valine 887 with alanine.
Molecular consequence: missense variant.
Genome position (GRCh38, 1-based): chr5:150,379,533, T>C. VCF-style: chr5-150379533-T-C. GRCh37 (hg19) VCF-style: chr5-149759096-T-C.
Other names: c.2429T>C, p.Val810Ala (NM_000356.4, NM_001135245.2); c.2660T>C, p.Val887Ala (NM_001008657.3, NM_001135243.2, NM_001135244.2 and 1 more transcripts); short protein forms V810A, V887A.
Identifiers: ClinVar variation 130569 (VCV000130569.19), dbSNP rs7713638, ClinGen allele CA155676.